The following is an entry in ClinVar:

ClinVar aggregate classification (germline): Uncertain significance (1 of 4 stars; one submission).

Conditions:
Joubert syndrome. Also called: JOUBERT-BOLTSHAUSER SYNDROME; Familial aplasia of the vermis. Identifiers: Orphanet 475, MedGen C5979921, MONDO:0018772.
Meckel-Gruber syndrome. Also called: DYSENCEPHALIA SPLANCHNOCYSTICA; GRUBER SYNDROME; Dysencephalia splachnocystica. Identifiers: Orphanet 564, MedGen C0265215, MONDO:0018921.

Allele frequency attached by ClinVar (database versions not stated): gnomAD exomes below 0.00001; TOPMed below 0.00001; gnomAD 0.00001.
gnomAD v4.1: 6 of 1,612,720 alleles (0.00037%); highest among the groups gnomAD compares: East Asian, 0.013%; no homozygotes.

Submission:

Labcorp Genetics (formerly Invitae), Labcorp
Classification: Uncertain significance for Joubert syndrome; Meckel-Gruber syndrome. Last evaluated: 2022-03-28. Review status: criteria provided, single submitter. Criteria: Invitae Variant Classification Sherloc (09022015). Collection method: clinical testing. Allele origin: germline.
Comment: This sequence change replaces serine, which is neutral and polar, with glycine, which is neutral and non-polar, at codon 1414 of the CC2D2A protein (p.Ser1414Gly). This variant is not present in population databases (gnomAD no frequency). This variant has not been reported in the literature in individuals affected with CC2D2A-related conditions. Advanced modeling of protein sequence and biophysical properties (such as structural, functional, and spatial information, amino acid conservation, physicochemical variation, residue mobility, and thermodynamic stability) performed at Invitae indicates that this missense variant is expected to disrupt CC2D2A protein function. In summary, the available evidence is currently insufficient to determine the role of this variant in disease. Therefore, it has been classified as a Variant of Uncertain Significance.

NM_001378615.1(CC2D2A):c.4240A>G (p.Ser1414Gly)

Genes: FBXL5 (F-box and leucine rich repeat protein 5; minus strand), CC2D2A (coiled-coil and C2 domain containing 2A; plus strand). Cytogenetic location: 4p15.32.
Variant type: single nucleotide variant.
Coding change: c.4240A>G on transcript NM_001378615.1 (MANE Select); coding-DNA position 4240, A replaced by G.
Protein change: p.Ser1414Gly; replaces serine 1414 with glycine.
Molecular consequence: missense variant.
Genome position (GRCh38, 1-based): chr4:15,589,605, A>G. VCF-style: chr4-15589605-A-G. GRCh37 (hg19) VCF-style: chr4-15591228-A-G.
Other names: c.4240A>G, p.Ser1414Gly (NM_001080522.2); c.4093A>G, p.Ser1365Gly (NM_001378617.1); short protein forms S1365G, S1414G.
Identifiers: ClinVar variation 2097647 (VCV002097647.1), dbSNP rs997057154, ClinGen allele CA92527572.